The following is an entry in ClinVar:

NM_022464.5(SIL1):c.1326C>T (p.Asp442=)

Gene: SIL1 (SIL1 nucleotide exchange factor; minus strand). Cytogenetic location: 5q31.2.
Variant type: single nucleotide variant.
Coding change: c.1326C>T on transcript NM_022464.5 (MANE Select); coding-DNA position 1326, C replaced by T.
Protein change: p.Asp442=; no amino-acid change (aspartic acid 442 retained).
Molecular consequence: synonymous variant.
Genome position (GRCh38, 1-based): chr5:138,947,177, G>A on the plus strand (C>T on the coding strand, the complement: SIL1 is on the minus strand). VCF-style: chr5-138947177-G-A. GRCh37 (hg19) VCF-style: chr5-138282866-G-A.
Other names: c.1326C>T, p.Asp442= (NM_001037633.2).
Identifiers: ClinVar variation 758620 (VCV000758620.9), dbSNP rs375567857, ClinGen allele CA3432325.

ClinVar aggregate classification (germline): Likely benign. Review status: criteria provided, single submitter (1 of 4 stars). 2 submissions from 2 submitters: Likely benign (1). 1 of the submissions does not count toward it. Last evaluated 2023-06-09.

Conditions:
Marinesco-Sjögren syndrome (MSS). Also called: Marinesco-Sjogren Syndrome; Marinesco-SjÃ¶gren syndrome. Identifiers: Orphanet 559, MedGen C0024814, MONDO:0009567, OMIM 248800.
SIL1-related disorder. Also called: SIL1-related condition.

Allele frequency attached by ClinVar (database versions not stated): gnomAD exomes 0.00001 and 0.00003; ExAC 0.00004; gnomAD 0.00008 and 0.00010; TOPMed 0.00010.
gnomAD v4.1: 25 of 1,613,454 alleles (0.0015%); highest among the groups gnomAD compares: African/African-American, 0.02%; no homozygotes.

Submissions (2):

Labcorp Genetics (formerly Invitae), Labcorp
Classification: Likely benign for Marinesco-Sjögren syndrome. Last evaluated: 2023-06-09. Review status: criteria provided, single submitter. Criteria: Invitae Variant Classification Sherloc (09022015). Collection method: clinical testing. Allele origin: germline.

PreventionGenetics, part of Exact Sciences
Classification: Likely benign for SIL1-related condition. Last evaluated: 2019-03-06. Review status: no assertion criteria provided. Collection method: clinical testing. Allele origin: germline. Not counted in ClinVar's aggregate classification.
Comment: This variant is classified as likely benign based on ACMG/AMP sequence variant interpretation guidelines (Richards et al. 2015 PMID: 25741868, with internal and published modifications).